The following is an entry in ClinVar:

NM_001395413.1(POR):c.310C>T (p.Arg104Cys)

Gene: POR (cytochrome p450 oxidoreductase; plus strand). Cytogenetic location: 7q11.23.
Variant type: single nucleotide variant.
Coding change: c.310C>T on transcript NM_001395413.1 (MANE Select); coding-DNA position 310, C replaced by T.
Protein change: p.Arg104Cys; replaces arginine 104 with cysteine.
Molecular consequence: missense variant.
Genome position (GRCh38, 1-based): chr7:75,979,532, C>T. VCF-style: chr7-75979532-C-T. GRCh37 (hg19) VCF-style: chr7-75608850-C-T.
Other names: c.319C>T, p.Arg107Cys (NM_000941.2, NM_000941.3); c.310C>T, p.Arg104Cys (NM_001367562.3, NM_001382657.2, NM_001382658.3 and 2 more transcripts); c.364C>T, p.Arg122Cys (NM_001382655.3); short protein forms R104C, R107C, R122C.
Identifiers: ClinVar variation 2082194 (VCV002082194.2), dbSNP rs782135756, ClinGen allele CA4303583.

ClinVar aggregate classification (germline): Uncertain significance (1 of 4 stars; one submission).

Conditions:
Congenital adrenal hyperplasia due to cytochrome P450 oxidoreductase deficiency. Also called: DISORDERED STEROIDOGENESIS DUE TO POR DEFICIENCY. Identifiers: Orphanet 95699, MedGen C1860042, MONDO:0013310, OMIM 613571.

Allele frequency attached by ClinVar (database versions not stated): gnomAD 0.00005; TOPMed 0.00007; ExAC 0.00009.

Submission:

Labcorp Genetics (formerly Invitae), Labcorp
Classification: Uncertain significance for Congenital adrenal hyperplasia due to cytochrome P450 oxidoreductase deficiency. Last evaluated: 2023-10-30. Review status: criteria provided, single submitter. Criteria: Invitae Variant Classification Sherloc (09022015). Collection method: clinical testing. Allele origin: germline.
Comment: This sequence change replaces arginine, which is basic and polar, with cysteine, which is neutral and slightly polar, at codon 107 of the POR protein (p.Arg107Cys). This variant is present in population databases (rs782135756, gnomAD 0.02%). This variant has not been reported in the literature in individuals affected with POR-related conditions. ClinVar contains an entry for this variant (Variation ID: 2082194). Advanced modeling of protein sequence and biophysical properties (such as structural, functional, and spatial information, amino acid conservation, physicochemical variation, residue mobility, and thermodynamic stability) performed at Invitae indicates that this missense variant is not expected to disrupt POR protein function with a negative predictive value of 80%. In summary, the available evidence is currently insufficient to determine the role of this variant in disease. Therefore, it has been classified as a Variant of Uncertain Significance.